The following is an entry in ClinVar:

NM_007327.4(GRIN1):c.1267G>A (p.Glu423Lys)

Gene: GRIN1 (glutamate ionotropic receptor NMDA type subunit 1; plus strand). Cytogenetic location: 9q34.3.
Variant type: single nucleotide variant.
Coding change: c.1267G>A on transcript NM_007327.4 (MANE Select); coding-DNA position 1267, G replaced by A.
Protein change: p.Glu423Lys; replaces glutamic acid 423 with lysine.
Molecular consequence: missense variant.
Genome position (GRCh38, 1-based): chr9:137,161,125, G>A. VCF-style: chr9-137161125-G-A. GRCh37 (hg19) VCF-style: chr9-140055577-G-A.
Other names: c.1267G>A, p.Glu423Lys (NM_000832.7, NM_021569.4); c.1330G>A, p.Glu444Lys (NM_001185090.2, NM_001185091.2); short protein forms E423K, E444K.
Identifiers: ClinVar variation 2779858 (VCV002779858.3), dbSNP rs2131291284, ClinGen allele CA375715981.

ClinVar aggregate classification (germline): Uncertain significance (1 of 4 stars; one submission).

Conditions:
Neurodevelopmental disorder with or without hyperkinetic movements and seizures, autosomal dominant. Also called: Intellectual disability, autosomal dominant 8. Identifiers: MedGen C3280282, MONDO:0013655, OMIM 614254.

Submission:

Labcorp Genetics (formerly Invitae), Labcorp
Classification: Uncertain significance for Neurodevelopmental disorder with or without hyperkinetic movements and seizures, autosomal dominant. Last evaluated: 2024-02-02. Review status: criteria provided, single submitter. Criteria: Invitae Variant Classification Sherloc (09022015). Collection method: clinical testing. Allele origin: germline.
Comment: This sequence change replaces glutamic acid, which is acidic and polar, with lysine, which is basic and polar, at codon 423 of the GRIN1 protein (p.Glu423Lys). This variant is not present in population databases (gnomAD no frequency). This variant has not been reported in the literature in individuals affected with GRIN1-related conditions. Advanced modeling of protein sequence and biophysical properties (such as structural, functional, and spatial information, amino acid conservation, physicochemical variation, residue mobility, and thermodynamic stability) has been performed at Invitae for this missense variant, however the output from this modeling did not meet the statistical confidence thresholds required to predict the impact of this variant on GRIN1 protein function. In summary, the available evidence is currently insufficient to determine the role of this variant in disease. Therefore, it has been classified as a Variant of Uncertain Significance.